The following is an entry in ClinVar:

NM_001655.5(ARCN1):c.649G>C (p.Ala217Pro)

Gene: ARCN1 (archain 1; plus strand). Cytogenetic location: 11q23.3.
Variant type: single nucleotide variant.
Coding change: c.649G>C on transcript NM_001655.5 (MANE Select); coding-DNA position 649, G replaced by C.
Protein change: p.Ala217Pro; replaces alanine 217 with proline.
Molecular consequence: missense variant.
Genome position (GRCh38, 1-based): chr11:118,584,010, G>C. VCF-style: chr11-118584010-G-C. GRCh37 (hg19) VCF-style: chr11-118454725-G-C.
Other names: c.385G>C, p.Ala129Pro (NM_001142281.2, NM_001425081.1); c.649G>C, p.Ala217Pro (NM_001425073.1, NM_001425077.1, NM_001425078.1); c.646G>C, p.Ala216Pro (NM_001425074.1, NM_001425079.1); c.592G>C, p.Ala198Pro (NM_001425075.1); c.580G>C, p.Ala194Pro (NM_001425076.1); c.205G>C, p.Ala69Pro (NM_001425080.1); short protein forms A129P, A194P, A198P, A216P, A217P, A69P.
Identifiers: ClinVar variation 2629888 (VCV002629888.1), dbSNP rs2497685677, ClinGen allele CA382805966.

ClinVar aggregate classification (germline): Uncertain significance (1 of 4 stars; one submission).

Conditions:
ARCN1-related disorder. Also called: ARCN1-related condition.

Submission:

PreventionGenetics, part of Exact Sciences
Classification: Uncertain significance for ARCN1-related condition. Last evaluated: 2023-01-19. Review status: criteria provided, single submitter. Criteria: ACMG Guidelines, 2015. Collection method: clinical testing. Allele origin: germline.
Comment: The ARCN1 c.649G>C variant is predicted to result in the amino acid substitution p.Ala217Pro. To our knowledge, this variant has not been reported in the literature or in a large population database, indicating this variant is rare. At this time, the clinical significance of this variant is uncertain due to the absence of conclusive functional and genetic evidence.